The following is an entry in ClinVar:

ClinVar aggregate classification (germline): Uncertain significance (1 of 4 stars; one submission).

Conditions:
Developmental delay with or without dysmorphic facies and autism. Identifiers: MedGen C5193106, MONDO:0032760, OMIM 618454.

Allele frequency attached by ClinVar (database versions not stated): gnomAD exomes below 0.00001.
gnomAD v4.1: 2 of 1,614,210 alleles (0.00012%); highest among the groups gnomAD compares: African/African-American, 0.0013%; no homozygotes.

Submission:

Victorian Clinical Genetics Services, Murdoch Childrens Research Institute
Classification: Uncertain significance for Developmental delay with or without dysmorphic facies and autism. Last evaluated: 2022-03-31. Review status: criteria provided, single submitter. Criteria: ACMG Guidelines, 2015. Collection method: clinical testing. Allele origin: germline. Inheritance: Autosomal dominant inheritance. Affected: yes.
Comment: Based on the classification scheme VCGS_Germline_v1.3.3, this variant is classified as VUS-3C. Following criteria are met: 0102 - Loss of function is a likely mechanism of disease in this gene and is associated with TRRAP-related neurodevelopmental disorder. (I) 0107 - This gene is associated with autosomal dominant disease. (I) 0200 - Variant is predicted to result in a missense amino acid change from tyrosine to aspartic acid. (I) 0251 - This variant is heterozygous. (I) 0301 - Variant is absent from gnomAD (both v2 and v3). (SP) 0501 - Missense variant consistently predicted to be damaging by multiple in silico tools or highly conserved with a major amino acid change. (SP) 0604 - Variant is not located in an established domain, motif, hotspot or informative constraint region. (I) 0705 - No comparable missense variants have previous evidence for pathogenicity. (I) 0807 - This variant has no previous evidence of pathogenicity. (I) 0905 - No published segregation evidence has been identified for this variant. (I) 1007 - No published functional evidence has been identified for this variant. (I) Legend: (SP) - Supporting pathogenic, (I) - Information, (SB) - Supporting benign

NM_001375524.1(TRRAP):c.2875T>G (p.Tyr959Asp)

Gene: TRRAP (transformation/transcription domain associated protein; plus strand). Cytogenetic location: 7q22.1.
Variant type: single nucleotide variant.
Coding change: c.2875T>G on transcript NM_001375524.1 (MANE Select); coding-DNA position 2875, T replaced by G.
Protein change: p.Tyr959Asp; replaces tyrosine 959 with aspartic acid.
Molecular consequence: missense variant.
Genome position (GRCh38, 1-based): chr7:98,925,163, T>G. VCF-style: chr7-98925163-T-G. GRCh37 (hg19) VCF-style: chr7-98522786-T-G.
Other names: c.2875T>G, p.Tyr959Asp (NM_001244580.2, NM_003496.4); short protein forms Y959D.
Identifiers: ClinVar variation 1699360 (VCV001699360.3), dbSNP rs1789990592, ClinGen allele CA368294979.